The following is an entry in ClinVar:

NM_000742.4(CHRNA2):c.202C>T (p.Arg68Trp)

Gene: CHRNA2 (cholinergic receptor nicotinic alpha 2 subunit; minus strand). Cytogenetic location: 8p21.2.
Variant type: single nucleotide variant.
Coding change: c.202C>T on transcript NM_000742.4 (MANE Select); coding-DNA position 202, C replaced by T.
Protein change: p.Arg68Trp; replaces arginine 68 with tryptophan.
Molecular consequence: missense variant. On other transcripts: 5 prime UTR variant (4).
Genome position (GRCh38, 1-based): chr8:27,469,853, G>A on the plus strand (C>T on the coding strand, the complement: CHRNA2 is on the minus strand). VCF-style: chr8-27469853-G-A. GRCh37 (hg19) VCF-style: chr8-27327370-G-A.
Other names: p.R68W:CGG>TGG; c.202C>T, p.Arg68Trp (NM_001282455.2); c.-226C>T (NM_001347705.2); c.-271C>T (NM_001347706.2); c.-212C>T (NM_001347707.2); c.-260C>T (NM_001347708.2); short protein forms R68W.
Identifiers: ClinVar variation 204982 (VCV000204982.50), dbSNP rs376970816, ClinGen allele CA313486.

ClinVar aggregate classification (germline): Conflicting classifications of pathogenicity. Review status: criteria provided, conflicting classifications (1 of 4 stars). 7 submissions from 7 submitters: Uncertain significance (2); Benign (1); Likely benign (2). 2 of the submissions do not count toward it. Last evaluated 2026-01-19.

Conditions:
CHRNA2-related disorder. Also called: CHRNA2-related condition.
Familial sleep-related hypermotor epilepsy. Also called: Autosomal Dominant Sleep-Related Hypermotor (Hyperkinetic) Epilepsy. Identifiers: Orphanet 98784, MedGen C3696898, MONDO:0000030.
Myoclonic epilepsy. Identifiers: MedGen C0014550, MONDO:0100577.
Inborn genetic diseases. Identifiers: MedGen C0950123, MeSH D030342.
Autosomal dominant nocturnal frontal lobe epilepsy 4. Also called: CHRNA2-Related Nocturnal Frontal Lobe Epilepsy, Autosomal Dominant; EPILEPSY, FAMILIAL, WITH NOCTURNAL WANDERING AND ICTAL FEAR. Identifiers: Orphanet 98784, MedGen C1835905, MONDO:0012474, OMIM 610353.

Allele frequency attached by ClinVar (database versions not stated): gnomAD 0.00005; TOPMed 0.00005; gnomAD exomes 0.00006; ExAC 0.00007; ESP Exome Variant Server 0.00008.

Submissions (7):

Labcorp Genetics (formerly Invitae), Labcorp
Classification: Likely benign. Last evaluated: 2026-01-19. Review status: criteria provided, single submitter. Criteria: Invitae Variant Classification Sherloc (09022015). Collection method: clinical testing. Allele origin: germline.

Ambry Genetics
Classification: Likely benign for Inborn genetic diseases. Last evaluated: 2023-10-02. Review status: criteria provided, single submitter. Criteria: Ambry Variant Classification Scheme 2023. Collection method: clinical testing. Allele origin: germline.

CeGaT Center for Human Genetics Tuebingen
Classification: Uncertain significance. Last evaluated: 2021-11-01. Review status: criteria provided, single submitter. Criteria: CeGaT Center For Human Genetics Tuebingen Variant Classification Criteria Version 2. Collection method: clinical testing. Allele origin: germline. Affected: yes. Observed: 1 variant allele.

GeneDx
Classification: Uncertain significance. Last evaluated: 2021-03-30. Review status: criteria provided, single submitter. Criteria: GeneDx Variant Classification Process June 2021. Collection method: clinical testing. Allele origin: germline. Affected: yes.
Comment: In silico analysis supports that this missense variant has a deleterious effect on protein structure/function; Has not been previously published as pathogenic or benign to our knowledge

Illumina Laboratory Services, Illumina
Classification: Benign for Autosomal dominant nocturnal frontal lobe epilepsy 4. Last evaluated: 2018-01-13. Review status: criteria provided, single submitter. Criteria: ICSL Variant Classification Criteria 13 December 2019. Collection method: clinical testing. Allele origin: germline.
Comment: This variant was observed in the ICSL laboratory as part of a predisposition screen in an ostensibly healthy population. It had not been previously curated by ICSL or reported in the Human Gene Mutation Database (HGMD: prior to June 1st, 2018), and was therefore a candidate for classification through an automated scoring system. Utilizing variant allele frequency, disease prevalence and penetrance estimates, and inheritance mode, an automated score was calculated to assess if this variant is too frequent to cause the disease. Based on the score and internal cut-off values, a variant classified as benign is not then subjected to further curation. The score for this variant resulted in a classification of benign for this disease.

PreventionGenetics, part of Exact Sciences
Classification: Likely benign for CHRNA2-related condition. Last evaluated: 2022-05-09. Review status: no assertion criteria provided. Collection method: clinical testing. Allele origin: germline. Not counted in ClinVar's aggregate classification.
Comment: This variant is classified as likely benign based on ACMG/AMP sequence variant interpretation guidelines (Richards et al. 2015 PMID: 25741868, with internal and published modifications).

Clinical Molecular Genetics Laboratory, Johns Hopkins All Children's Hospital
Classification: Uncertain significance for myoclonic epilepsy. Last evaluated: 2016-09-28. Review status: no assertion criteria provided. Collection method: clinical testing. Allele origin: germline. Affected: yes. Not counted in ClinVar's aggregate classification.